The following is an entry in ClinVar:

NM_001876.4(CPT1A):c.1977C>A (p.Cys659Ter)

Gene: CPT1A (carnitine palmitoyltransferase 1A; minus strand). Cytogenetic location: 11q13.3.
Variant type: single nucleotide variant.
Coding change: c.1977C>A on transcript NM_001876.4 (MANE Select); coding-DNA position 1977, C replaced by A.
Protein change: p.Cys659Ter; replaces cysteine 659 with a stop codon.
Molecular consequence: nonsense.
Genome position (GRCh38, 1-based): chr11:68,761,586, G>T on the plus strand (C>A on the coding strand, the complement: CPT1A is on the minus strand). VCF-style: chr11-68761586-G-T. GRCh37 (hg19) VCF-style: chr11-68529054-G-T.
Other names: c.1977C>A, p.Cys659Ter (NM_001031847.3); short protein forms C659*.
Identifiers: ClinVar variation 3241199 (VCV003241199.2), dbSNP rs2495512675.

ClinVar aggregate classification (germline): Pathogenic/Likely pathogenic. Review status: criteria provided, multiple submitters, no conflicts (2 of 4 stars). 2 submissions from 2 submitters: Pathogenic (1); Likely pathogenic (1). Last evaluated 2023-11-23.

Conditions:
Carnitine palmitoyl transferase 1A deficiency. Also called: Carnitine palmitoyltransferase 1A deficiency; Carnitine palmitoyltransferase type I deficiency; CPT deficiency, hepatic, type IA; CPT I DEFICIENCY; CPT DEFICIENCY, HEPATIC, TYPE I. Identifiers: Orphanet 156, MedGen C1829703, MONDO:0009705, OMIM 255120.

Submissions (2):

Baylor Genetics
Classification: Likely pathogenic for Carnitine palmitoyl transferase 1A deficiency. Last evaluated: 2023-11-23. Review status: criteria provided, single submitter. Criteria: ACMG Guidelines, 2015. Collection method: clinical testing. Allele origin: unknown.

Myriad Genetics, Inc.
Classification: Pathogenic for Carnitine palmitoyl transferase 1A deficiency. Last evaluated: 2023-09-27. Review status: criteria provided, single submitter. Criteria: Myriad Autosomal Dominant, Autosomal Recessive and X-Linked Classification Criteria (2023). Collection method: clinical testing. Allele origin: unknown.
Comment: NM_001876.3(CPT1A):c.1977C>A(C659*) is expected to be pathogenic in the context of carnitine palmitoyltransferase IA deficiency. This variant is predicted to lead to an abnormal or absent protein product due to the creation of a premature termination codon in CPT1A, a gene where loss-of-function variants are known to be pathogenic. Please note: this variant was assessed in the context of healthy population screening.